The following is an entry in ClinVar:

ClinVar aggregate classification (germline): Uncertain significance (1 of 4 stars; one submission).

Conditions:
Hereditary cancer-predisposing syndrome. Also called: Neoplastic Syndromes, Hereditary; Tumor predisposition; Hereditary neoplastic syndrome; Hereditary Cancer Syndrome. Identifiers: Orphanet 140162, MedGen C0027672, MeSH D009386, MONDO:0015356.
Cardiovascular phenotype. Identifiers: MedGen CN230736.

Submission:

Ambry Genetics
Classification: Uncertain significance for Cardiovascular phenotype; Hereditary cancer-predisposing syndrome. Last evaluated: 2023-04-19. Review status: criteria provided, single submitter. Criteria: Ambry Variant Classification Scheme 2023. Collection method: clinical testing. Allele origin: germline.
Comment: The p.E618A variant (also known as c.1853A>C), located in coding exon 16 of the LZTR1 gene, results from an A to C substitution at nucleotide position 1853. The glutamic acid at codon 618 is replaced by alanine, an amino acid with dissimilar properties. This amino acid position is conserved. In addition, this alteration is predicted to be deleterious by in silico analysis. Since supporting evidence is limited at this time, the clinical significance of this alteration remains unclear.

NM_006767.4(LZTR1):c.1853A>C (p.Glu618Ala)

Gene: LZTR1 (leucine zipper like post translational regulator 1; plus strand). Cytogenetic location: 22q11.21.
Variant type: single nucleotide variant.
Coding change: c.1853A>C on transcript NM_006767.4 (MANE Select); coding-DNA position 1853, A replaced by C.
Protein change: p.Glu618Ala; replaces glutamic acid 618 with alanine.
Molecular consequence: missense variant.
Genome position (GRCh38, 1-based): chr22:20,994,937, A>C. VCF-style: chr22-20994937-A-C. GRCh37 (hg19) VCF-style: chr22-21349226-A-C.
Other names: short protein forms E618A.
Identifiers: ClinVar variation 3238150 (VCV003238150.1), dbSNP rs2518622451.